The following is an entry in ClinVar:

ClinVar aggregate classification (germline): Likely pathogenic (1 of 4 stars; one submission).

Conditions:
Spastic paraplegia. Identifiers: MedGen C0037772, HP:0001258.

Submission:

Labcorp Genetics (formerly Invitae), Labcorp
Classification: Likely pathogenic for Spastic paraplegia. Last evaluated: 2018-10-22. Review status: criteria provided, single submitter. Criteria: Invitae Variant Classification Sherloc (09022015). Collection method: clinical testing. Allele origin: germline.
Comment: Loss-of-function variants in L1CAM are known to be pathogenic (PMID: 19846429). In summary, the currently available evidence indicates that the variant is pathogenic, but additional data are needed to prove that conclusively. Therefore, this variant has been classified as Likely Pathogenic. This variant has not been reported in the literature in individuals with L1CAM-related disease. This variant is not present in population databases (ExAC no frequency). This variant is a deletion of the genomic region encompassing part of exon 13 (c.1702_1703+14del) of the L1CAM gene. It is expected to disrupt RNA splicing and likely results in an absent or disrupted protein product.

Literature cited by the submitters: PubMed 19846429.

NM_001278116.2(L1CAM):c.1702_1703+14del

Gene: L1CAM (L1 cell adhesion molecule; minus strand). Cytogenetic location: Xq28.
Variant type: Deletion.
Coding change: c.1702_1703+14del on transcript NM_001278116.2 (MANE Select); coding-DNA position 1702 through 14 bases into the intron after coding-DNA position 1703, 16 bases deleted (AAGTGAGGACAGTGAC).
Molecular consequence: splice donor variant.
Genome position (GRCh38, 1-based): chrX:153,868,288-153,868,303, GTCACTGTCCTCACTT deleted on the plus strand (AAGTGAGGACAGTGAC on the coding strand, the reverse complement: L1CAM is on the minus strand); deleting any 16 consecutive bases within chrX:153,868,288-153,868,313 gives the same sequence; the c. name uses the placement nearest the transcript's 3' end. VCF-style (leftmost placement, unchanged base first): chrX-153868287-CGTCACTGTCCTCACTT-C. GRCh37 (hg19) VCF-style: chrX-153133742-CGTCACTGTCCTCACTT-C.
Other names: c.1687_1688+14del (NM_001143963.2); c.1702_1703+14del (NM_024003.3, NM_000425.5); c.1702_1703+14delAAGTGAGGACAGTGAC (NM_000425.4).
Identifiers: ClinVar variation 660128 (VCV000660128.6), dbSNP rs1603275315, ClinGen allele CA915952062.